The following is an entry in ClinVar:

NM_006231.4(POLE):c.4218G>A (p.Met1406Ile)

Gene: POLE (DNA polymerase epsilon, catalytic subunit; minus strand). Cytogenetic location: 12q24.33.
Variant type: single nucleotide variant.
Coding change: c.4218G>A on transcript NM_006231.4 (MANE Select); coding-DNA position 4218, G replaced by A.
Protein change: p.Met1406Ile; replaces methionine 1406 with isoleucine.
Molecular consequence: missense variant.
Genome position (GRCh38, 1-based): chr12:132,643,909, C>T on the plus strand (G>A on the coding strand, the complement: POLE is on the minus strand). VCF-style: chr12-132643909-C-T. GRCh37 (hg19) VCF-style: chr12-133220495-C-T.
Other names: short protein forms M1406I.
Identifiers: ClinVar variation 405771 (VCV000405771.10), dbSNP rs1060500841, ClinGen allele CA16613861.
Genomic context (GRCh38, chr12:132,643,909, plus strand): 5'-TACGCCCTCGATGTCTGGCGCTGACAGCTCAGCGTTGATCTCGTTGATGTGTTCCTGGTA[C>T]ATGTCCTCTGGCACTGAATACTCATAGAGATTGTAGACCATGTTGGAGCGAGGAAGGACC-3'
Protein context (NP_006222.2, residues 1396-1416): NLYEYSVPED[Met1406Ile]YQEHINEINA

ClinVar aggregate classification (germline): Uncertain significance. Review status: criteria provided, multiple submitters, no conflicts (2 of 4 stars). 3 submissions from 3 submitters: Uncertain significance (3). Last evaluated 2025-09-05.

Conditions:
Hereditary cancer-predisposing syndrome. Also called: Hereditary Cancer Syndrome; Hereditary neoplastic syndrome; Neoplastic Syndromes, Hereditary; Tumor predisposition. Identifiers: Orphanet 140162, MedGen C0027672, MeSH D009386, MONDO:0015356.

Submissions (3):

Labcorp Genetics (formerly Invitae), Labcorp
Classification: Uncertain significance. Last evaluated: 2025-09-05. Review status: criteria provided, single submitter. Criteria: Invitae Variant Classification Sherloc (09022015). Collection method: clinical testing. Allele origin: germline.
Comment: This sequence change replaces methionine, which is neutral and non-polar, with isoleucine, which is neutral and non-polar, at codon 1406 of the POLE protein (p.Met1406Ile). This variant is not present in population databases (gnomAD no frequency). This variant has not been reported in the literature in individuals affected with POLE-related conditions. ClinVar contains an entry for this variant (Variation ID: 405771). Invitae Evidence Modeling of protein sequence and biophysical properties (such as structural, functional, and spatial information, amino acid conservation, physicochemical variation, residue mobility, and thermodynamic stability) indicates that this missense variant is not expected to disrupt POLE protein function with a negative predictive value of 80%. In summary, the available evidence is currently insufficient to determine the role of this variant in disease. Therefore, it has been classified as a Variant of Uncertain Significance.

Ambry Genetics
Classification: Uncertain significance for Hereditary cancer-predisposing syndrome. Last evaluated: 2025-04-19. Review status: criteria provided, single submitter. Criteria: Ambry Variant Classification Scheme 2023. Collection method: clinical testing. Allele origin: germline.
Comment: The p.M1406I variant (also known as c.4218G>A), located in coding exon 33 of the POLE gene, results from a G to A substitution at nucleotide position 4218. The methionine at codon 1406 is replaced by isoleucine, an amino acid with highly similar properties. This amino acid position is conserved. In addition, this alteration is predicted to be tolerated by in silico analysis. Based on the available evidence, the clinical significance of this variant remains unclear.

GeneDx
Classification: Uncertain significance. Last evaluated: 2024-05-07. Review status: criteria provided, single submitter. Criteria: GeneDx Variant Classification Process June 2021. Collection method: clinical testing. Allele origin: germline. Affected: yes.
Comment: Not observed at significant frequency in large population cohorts (gnomAD); In silico analysis indicates that this missense variant does not alter protein structure/function; Has not been previously published as pathogenic or benign to our knowledge